The following is an entry in ClinVar:

NM_004563.4(PCK2):c.297del (p.Lys100fs)

Genes: NRL (neural retina leucine zipper; minus strand), PCK2 (phosphoenolpyruvate carboxykinase 2, mitochondrial; plus strand). Cytogenetic location: 14q11.2.
Variant type: Deletion.
Coding change: c.297del on transcript NM_004563.4 (MANE Select); coding-DNA position 297, one base deleted (C; older notation c.297delC).
Protein change: p.Lys100fs; shifts the reading frame from lysine 100.
Molecular consequence: frameshift variant. On other transcripts: 5 prime UTR variant (2), intron variant (3).
Genome position (GRCh38, 1-based): chr14:24,098,224, C deleted; the last of 4 consecutive C bases (chr14:24,098,221-24,098,224); deleting any one gives the same sequence. VCF-style (leftmost placement, unchanged base first): chr14-24098220-AC-A. GRCh37 (hg19) VCF-style: chr14-24567429-AC-A.
Other names: c.297del, p.Lys100fs (NM_001018073.3); c.-106del (NM_001291556.2, NM_001308054.2); c.-27-15346del (NM_001354768.3, NM_001354770.2); c.-253-13476del (NM_006177.5); short protein forms K100fs.
Identifiers: ClinVar variation 1991589 (VCV001991589.4), dbSNP rs1471234496, ClinGen allele CA613319808.

ClinVar aggregate classification (germline): Uncertain significance (1 of 4 stars; one submission).

Submission:

Labcorp Genetics (formerly Invitae), Labcorp
Classification: Uncertain significance. Last evaluated: 2022-05-15. Review status: criteria provided, single submitter. Criteria: Invitae Variant Classification Sherloc (09022015). Collection method: clinical testing. Allele origin: germline.
Comment: In summary, the available evidence is currently insufficient to determine the role of this variant in disease. Therefore, it has been classified as a Variant of Uncertain Significance. This variant has not been reported in the literature in individuals affected with PCK2-related conditions. The frequency data for this variant in the population databases is considered unreliable, as metrics indicate poor data quality at this position in the gnomAD database. This sequence change creates a premature translational stop signal (p.Lys100Argfs*6) in the PCK2 gene. It is expected to result in an absent or disrupted protein product. However, the current clinical and genetic evidence is not sufficient to establish whether loss-of-function variants in PCK2 cause disease.